The following is an entry in ClinVar:

ClinVar aggregate classification (germline): Uncertain significance (1 of 4 stars; one submission).

Allele frequency attached by ClinVar (database versions not stated): ExAC 0.00001.

Submission:

Labcorp Genetics (formerly Invitae), Labcorp
Classification: Uncertain significance. Last evaluated: 2023-04-09. Review status: criteria provided, single submitter. Criteria: Invitae Variant Classification Sherloc (09022015). Collection method: clinical testing. Allele origin: germline.
Comment: In summary, the available evidence is currently insufficient to determine the role of this variant in disease. Therefore, it has been classified as a Variant of Uncertain Significance. An algorithm developed to predict the effect of missense changes on protein structure and function (PolyPhen-2) suggests that this variant is likely to be tolerated. This variant has not been reported in the literature in individuals affected with SLC41A1-related conditions. This variant is present in population databases (rs753516125, gnomAD 0.002%). This sequence change replaces threonine, which is neutral and polar, with methionine, which is neutral and non-polar, at codon 509 of the SLC41A1 protein (p.Thr509Met).

NM_173854.6(SLC41A1):c.1526C>T (p.Thr509Met)

Gene: SLC41A1 (solute carrier family 41 member 1; minus strand). Cytogenetic location: 1q32.1.
Variant type: single nucleotide variant.
Coding change: c.1526C>T on transcript NM_173854.6 (MANE Select); coding-DNA position 1526, C replaced by T.
Protein change: p.Thr509Met; replaces threonine 509 with methionine.
Molecular consequence: missense variant.
Genome position (GRCh38, 1-based): chr1:205,791,549, G>A on the plus strand (C>T on the coding strand, the complement: SLC41A1 is on the minus strand). VCF-style: chr1-205791549-G-A. GRCh37 (hg19) VCF-style: chr1-205760677-G-A.
Other names: short protein forms T509M.
Identifiers: ClinVar variation 2901679 (VCV002901679.3), dbSNP rs753516125, ClinGen allele CA1357094.